The following is an entry in ClinVar:

ClinVar aggregate classification (germline): Uncertain significance (1 of 4 stars; one submission).

Allele frequency attached by ClinVar (database versions not stated): gnomAD exomes below 0.00001; gnomAD 0.00001; TOPMed 0.00001.

Submission:

Labcorp Genetics (formerly Invitae), Labcorp
Classification: Uncertain significance. Last evaluated: 2022-03-10. Review status: criteria provided, single submitter. Criteria: Invitae Variant Classification Sherloc (09022015). Collection method: clinical testing. Allele origin: germline.
Comment: This sequence change replaces arginine, which is basic and polar, with cysteine, which is neutral and slightly polar, at codon 502 of the TYRP1 protein (p.Arg502Cys). This variant is present in population databases (no rsID available, gnomAD 0.01%). This variant has not been reported in the literature in individuals affected with TYRP1-related conditions. Algorithms developed to predict the effect of missense changes on protein structure and function are either unavailable or do not agree on the potential impact of this missense change (SIFT: "Deleterious"; PolyPhen-2: "Possibly Damaging"; Align-GVGD: "Class C0"). In summary, the available evidence is currently insufficient to determine the role of this variant in disease. Therefore, it has been classified as a Variant of Uncertain Significance.

NM_000550.3(TYRP1):c.1504C>T (p.Arg502Cys)

Genes: LURAP1L-AS1 (LURAP1L antisense RNA 1; minus strand), TYRP1 (tyrosinase related protein 1; plus strand). Cytogenetic location: 9p23.
Variant type: single nucleotide variant.
Coding change: c.1504C>T on transcript NM_000550.3 (MANE Select); coding-DNA position 1504, C replaced by T.
Protein change: p.Arg502Cys; replaces arginine 502 with cysteine.
Molecular consequence: missense variant.
Genome position (GRCh38, 1-based): chr9:12,709,072, C>T. VCF-style: chr9-12709072-C-T. GRCh37 (hg19) VCF-style: chr9-12709072-C-T.
Other names: short protein forms R502C.
Identifiers: ClinVar variation 1366534 (VCV001366534.5), dbSNP rs1219177009, ClinGen allele CA372932532.